The following is an entry in ClinVar:

NM_205836.3(FBXO38):c.71A>G (p.Asp24Gly)

Gene: FBXO38 (F-box protein 38; plus strand). Cytogenetic location: 5q32.
Variant type: single nucleotide variant.
Coding change: c.71A>G on transcript NM_205836.3 (MANE Select); coding-DNA position 71, A replaced by G.
Protein change: p.Asp24Gly; replaces aspartic acid 24 with glycine.
Molecular consequence: missense variant.
Genome position (GRCh38, 1-based): chr5:148,394,847, A>G. VCF-style: chr5-148394847-A-G. GRCh37 (hg19) VCF-style: chr5-147774410-A-G.
Other names: c.71A>G, p.Asp24Gly (NM_001271723.2, NM_030793.5); short protein forms D24G.
Identifiers: ClinVar variation 2164801 (VCV002164801.4), dbSNP rs777181109, ClinGen allele CA3496950.

ClinVar aggregate classification (germline): Uncertain significance (1 of 4 stars; one submission).

Conditions:
Distal hereditary motor neuropathy type 2. Identifiers: Orphanet 139525, MedGen C3711384, MeSH C580044, MONDO:0015352.

Allele frequency attached by ClinVar (database versions not stated): ExAC 0.00001; gnomAD 0.00001.

Submission:

Labcorp Genetics (formerly Invitae), Labcorp
Classification: Uncertain significance for Distal hereditary motor neuropathy type 2. Last evaluated: 2025-06-17. Review status: criteria provided, single submitter. Criteria: Invitae Variant Classification Sherloc (09022015). Collection method: clinical testing. Allele origin: germline.
Comment: This sequence change replaces aspartic acid, which is acidic and polar, with glycine, which is neutral and non-polar, at codon 24 of the FBXO38 protein (p.Asp24Gly). The frequency data for this variant in the population databases is considered unreliable, as metrics indicate poor data quality at this position in the gnomAD database. This variant has not been reported in the literature in individuals affected with FBXO38-related conditions. ClinVar contains an entry for this variant (Variation ID: 2164801). Invitae Evidence Modeling of protein sequence and biophysical properties (such as structural, functional, and spatial information, amino acid conservation, physicochemical variation, residue mobility, and thermodynamic stability) indicates that this missense variant is not expected to disrupt FBXO38 protein function with a negative predictive value of 80%. In summary, the available evidence is currently insufficient to determine the role of this variant in disease. Therefore, it has been classified as a Variant of Uncertain Significance.